The following is an entry in ClinVar:

ClinVar aggregate classification (germline): Likely pathogenic (1 of 4 stars; one submission).

Conditions:
Hereditary nonpolyposis colorectal neoplasms. Identifiers: MedGen C0009405, MeSH D003123.

Submission:

Labcorp Genetics (formerly Invitae), Labcorp
Classification: Likely pathogenic for Hereditary nonpolyposis colorectal neoplasms. Last evaluated: 2024-01-06. Review status: criteria provided, single submitter. Criteria: Invitae Variant Classification Sherloc (09022015). Collection method: clinical testing. Allele origin: germline.
Comment: This variant results in the deletion of part of exon 3 (c.239_250+2del) of the PMS2 gene. It is expected to disrupt RNA splicing. Variants that disrupt the donor or acceptor splice site typically lead to a loss of protein function (PMID: 16199547), and loss-of-function variants in PMS2 are known to be pathogenic (PMID: 21376568, 24362816). This variant is not present in population databases (gnomAD no frequency). This variant has not been reported in the literature in individuals affected with PMS2-related conditions. In summary, the currently available evidence indicates that the variant is pathogenic, but additional data are needed to prove that conclusively. Therefore, this variant has been classified as Likely Pathogenic.

Literature cited by the submitters: PubMed 16199547; PubMed 21376568; PubMed 24362816.

NM_000535.7(PMS2):c.239_250+2del

Gene: PMS2 (PMS1 homolog 2, mismatch repair system component; minus strand). Cytogenetic location: 7p22.1.
Variant type: Deletion.
Coding change: c.239_250+2del on transcript NM_000535.7 (MANE Select); coding-DNA position 239 through the canonical splice donor site of the intron after coding-DNA position 250, 14 bases deleted (TCGAAGGCTTAAGT).
Molecular consequence: splice donor variant. On other transcripts: intron variant (1).
Genome position (GRCh38, 1-based): chr7:6,003,970-6,003,983, ACTTAAGCCTTCGA deleted on the plus strand (TCGAAGGCTTAAGT on the coding strand, the reverse complement: PMS2 is on the minus strand); deleting any 14 consecutive bases within chr7:6,003,970-6,003,984 gives the same sequence; the c. name uses the placement nearest the transcript's 3' end. VCF-style (leftmost placement, unchanged base first): chr7-6003969-TACTTAAGCCTTCGA-T. GRCh37 (hg19) VCF-style: chr7-6043600-TACTTAAGCCTTCGA-T.
Other names: c.-646_-635+2del (NM_001322012.2, NM_001322011.2); c.-167_-156+2del (NM_001406905.1, NM_001406906.1, NM_001406910.1 and 13 more transcripts); c.-246_-235+2del (NM_001322015.2, NM_001406879.1, NM_001406878.1 and 3 more transcripts); c.-52-1347_-52-1334del (NM_001406896.1); c.239_250+2del (NM_001406885.1, NM_001406886.1, NM_001406884.1 and 10 more transcripts); c.24_35+2del (NM_001406901.1, NM_001406903.1, NM_001322008.2 and 4 more transcripts); c.-143_-132+2del (NM_001406881.1, NM_001406900.1); c.-114_-103+2del (NM_001406895.1, NM_001406904.1, NM_001406889.1 and 6 more transcripts); and 3 more.
Identifiers: ClinVar variation 2707990 (VCV002707990.3), dbSNP rs2536511201, ClinGen allele CA2697557091.